The following is an entry in ClinVar:

ClinVar aggregate classification (germline): Uncertain significance (1 of 4 stars; one submission).

Conditions:
Hereditary cancer-predisposing syndrome. Also called: Neoplastic Syndromes, Hereditary; Tumor predisposition; Hereditary Cancer Syndrome; Hereditary neoplastic syndrome. Identifiers: Orphanet 140162, MedGen C0027672, MeSH D009386, MONDO:0015356.

Allele frequency attached by ClinVar (database versions not stated): gnomAD exomes below 0.00001.
gnomAD v4.1: 1 of 1,614,120 alleles (0.000062%); highest among the groups gnomAD compares: Non-Finnish European, 0.000085%; no homozygotes.

Submission:

Ambry Genetics
Classification: Uncertain significance for Hereditary cancer-predisposing syndrome. Last evaluated: 2018-10-16. Review status: criteria provided, single submitter. Criteria: Ambry Variant Classification Scheme 2023. Collection method: clinical testing. Allele origin: germline.
Comment: The p.D543N variant (also known as c.1627G>A), located in coding exon 14 of the MRE11A gene, results from a G to A substitution at nucleotide position 1627. The aspartic acid at codon 543 is replaced by asparagine, an amino acid with highly similar properties. This amino acid position is not well conserved in available vertebrate species. In addition, this alteration is predicted to be tolerated by in silico analysis. Since supporting evidence is limited at this time, the clinical significance of this alteration remains unclear.

NM_005591.4(MRE11):c.1627G>A (p.Asp543Asn)

Gene: MRE11 (MRE11 double strand break repair nuclease; minus strand). Cytogenetic location: 11q21.
Variant type: single nucleotide variant.
Coding change: c.1627G>A on transcript NM_005591.4 (MANE Select); coding-DNA position 1627, G replaced by A.
Protein change: p.Asp543Asn; replaces aspartic acid 543 with asparagine.
Molecular consequence: missense variant.
Genome position (GRCh38, 1-based): chr11:94,447,375, C>T on the plus strand (G>A on the coding strand, the complement: MRE11 is on the minus strand). VCF-style: chr11-94447375-C-T. GRCh37 (hg19) VCF-style: chr11-94180541-C-T.
Other names: c.1627G>A, p.Asp543Asn (NM_001330347.2, NM_005590.4); short protein forms D543N.
Identifiers: ClinVar variation 819702 (VCV000819702.4), dbSNP rs1591655304, ClinGen allele CA382368588.